The following is an entry in ClinVar:

NM_001040167.2(LFNG):c.659C>T (p.Thr220Met)

Gene: LFNG (LFNG O-fucosylpeptide 3-beta-N-acetylglucosaminyltransferase; plus strand). Cytogenetic location: 7p22.3.
Variant type: single nucleotide variant.
Coding change: c.659C>T on transcript NM_001040167.2 (MANE Select); coding-DNA position 659, C replaced by T.
Protein change: p.Thr220Met; replaces threonine 220 with methionine.
Molecular consequence: missense variant.
Genome position (GRCh38, 1-based): chr7:2,525,491, C>T. VCF-style: chr7-2525491-C-T. GRCh37 (hg19) VCF-style: chr7-2565125-C-T.
Other names: c.659C>T (NM_001040167.1); c.659C>T, p.Thr220Met (NM_001040168.2); c.446C>T, p.Thr149Met (NM_001166355.2); c.272C>T, p.Thr91Met (NM_002304.3); short protein forms T220M, T91M, T149M.
Identifiers: ClinVar variation 2155206 (VCV002155206.2), dbSNP rs375428158, ClinGen allele CA4127063.

ClinVar aggregate classification (germline): Uncertain significance. Review status: criteria provided, multiple submitters, no conflicts (2 of 4 stars). 2 submissions from 2 submitters: Uncertain significance (2). Last evaluated 2022-07-19.

Conditions:
Inborn genetic diseases. Identifiers: MedGen C0950123, MeSH D030342.
Spondylocostal dysostosis 3, autosomal recessive (SCDO3). Also called: LFNG-Related Spondylocostal Dysostosis, Autosomal Recessive. Identifiers: Orphanet 2311, MedGen C1853296, MONDO:0012349, OMIM 609813.

Allele frequency attached by ClinVar (database versions not stated): gnomAD 0.00002; TOPMed 0.00002; ExAC 0.00005.
gnomAD v4.1: 52 of 1,612,412 alleles (0.0032%); highest among the groups gnomAD compares: South Asian, 0.019%; 1 homozygote.

Submissions (2):

Labcorp Genetics (formerly Invitae), Labcorp
Classification: Uncertain significance for Spondylocostal dysostosis 3, autosomal recessive. Last evaluated: 2022-07-19. Review status: criteria provided, single submitter. Criteria: Invitae Variant Classification Sherloc (09022015). Collection method: clinical testing. Allele origin: germline.
Comment: This sequence change replaces threonine, which is neutral and polar, with methionine, which is neutral and non-polar, at codon 220 of the LFNG protein (p.Thr220Met). This variant is present in population databases (rs375428158, gnomAD 0.02%). This variant has not been reported in the literature in individuals affected with LFNG-related conditions. Algorithms developed to predict the effect of missense changes on protein structure and function output the following: SIFT: "Deleterious"; PolyPhen-2: "Benign"; Align-GVGD: "Class C15". The methionine amino acid residue is found in multiple mammalian species, which suggests that this missense change does not adversely affect protein function. In summary, the available evidence is currently insufficient to determine the role of this variant in disease. Therefore, it has been classified as a Variant of Uncertain Significance.

Ambry Genetics
Classification: Uncertain significance for Inborn genetic diseases. Last evaluated: 2021-09-01. Review status: criteria provided, single submitter. Criteria: Ambry Variant Classification Scheme 2023. Collection method: clinical testing. Allele origin: germline.